The following is an entry in ClinVar:

NM_139343.3(BIN1):c.1017A>C (p.Pro339=)

Gene: BIN1 (bridging integrator 1; minus strand). Cytogenetic location: 2q14.3.
Variant type: single nucleotide variant.
Coding change: c.1017A>C on transcript NM_139343.3 (MANE Select); coding-DNA position 1017, A replaced by C.
Protein change: p.Pro339=; no amino-acid change (proline 339 retained).
Molecular consequence: synonymous variant. On other transcripts: intron variant (9).
Genome position (GRCh38, 1-based): chr2:127,057,587, T>G on the plus strand (A>C on the coding strand, the complement: BIN1 is on the minus strand). VCF-style: chr2-127057587-T-G. GRCh37 (hg19) VCF-style: chr2-127815163-T-G.
Other names: c.1017A>C, p.Pro339= (NM_001320640.2); c.924A>C, p.Pro308= (NM_001320641.2, NM_139347.3, NM_139348.3); c.936A>C, p.Pro312= (NM_001320642.1); c.969A>C, p.Pro323= (NM_139346.3); c.837+1424A>C (NM_001320634.1); c.909+1424A>C (NM_139351.3, NM_139350.3, NM_139349.3); c.954+1424A>C (NM_001320632.2, NM_004305.4); c.1002+1424A>C (NM_001320633.2, NM_139345.3, NM_139344.3).
Identifiers: ClinVar variation 2571083 (VCV002571083.27), dbSNP rs2467252791, ClinGen allele CA428594187.

ClinVar aggregate classification (germline): Likely benign (1 of 4 stars; one submission).

Submission:

CeGaT Center for Human Genetics Tuebingen
Classification: Likely benign. Last evaluated: 2023-04-01. Review status: criteria provided, single submitter. Criteria: CeGaT Center For Human Genetics Tuebingen Variant Classification Criteria Version 2. Collection method: clinical testing. Allele origin: germline. Affected: yes. Observed: 1 variant allele.
Comment: BIN1: PM2:Supporting, BP4, BP7